The following is an entry in ClinVar:

NM_001478.5(B4GALNT1):c.107C>T (p.Pro36Leu)

Gene: B4GALNT1 (beta-1,4-N-acetyl-galactosaminyltransferase 1; minus strand). Cytogenetic location: 12q13.3.
Variant type: single nucleotide variant.
Coding change: c.107C>T on transcript NM_001478.5 (MANE Select); coding-DNA position 107, C replaced by T.
Protein change: p.Pro36Leu; replaces proline 36 with leucine.
Molecular consequence: missense variant.
Genome position (GRCh38, 1-based): chr12:57,632,026, G>A on the plus strand (C>T on the coding strand, the complement: B4GALNT1 is on the minus strand). VCF-style: chr12-57632026-G-A. GRCh37 (hg19) VCF-style: chr12-58025809-G-A.
Other names: c.107C>T, p.Pro36Leu (NM_001276468.2, NM_001276469.2); short protein forms P36L.
Identifiers: ClinVar variation 1364302 (VCV001364302.6), dbSNP rs994923026, ClinGen allele CA237793888.

ClinVar aggregate classification (germline): Uncertain significance (1 of 4 stars; one submission).

Conditions:
Spastic paraplegia. Identifiers: MedGen C0037772, HP:0001258.

Allele frequency attached by ClinVar (database versions not stated): gnomAD 0.00002; TOPMed 0.00002.
gnomAD v4.1: 8 of 1,453,266 alleles (0.00055%); highest among the groups gnomAD compares: African/African-American, 0.012%; no homozygotes.

Submission:

Labcorp Genetics (formerly Invitae), Labcorp
Classification: Uncertain significance for Spastic paraplegia. Last evaluated: 2021-10-04. Review status: criteria provided, single submitter. Criteria: Invitae Variant Classification Sherloc (09022015). Collection method: clinical testing. Allele origin: germline.
Comment: In summary, the available evidence is currently insufficient to determine the role of this variant in disease. Therefore, it has been classified as a Variant of Uncertain Significance. Algorithms developed to predict the effect of missense changes on protein structure and function (SIFT, PolyPhen-2, Align-GVGD) all suggest that this variant is likely to be tolerated. This variant has not been reported in the literature in individuals affected with B4GALNT1-related conditions. The frequency data for this variant in the population databases is considered unreliable, as metrics indicate insufficient coverage at this position in the ExAC database. This sequence change replaces proline with leucine at codon 36 of the B4GALNT1 protein (p.Pro36Leu). The proline residue is moderately conserved and there is a moderate physicochemical difference between proline and leucine.